The following is an entry in ClinVar:

ClinVar aggregate classification (germline): Uncertain significance (1 of 4 stars; one submission).

Conditions:
Epileptic encephalopathy. Identifiers: MedGen C0543888, HP:0200134.

Submission:

Labcorp Genetics (formerly Invitae), Labcorp
Classification: Uncertain significance for Epileptic encephalopathy. Last evaluated: 2025-03-20. Review status: criteria provided, single submitter. Criteria: Invitae Variant Classification Sherloc (09022015). Collection method: clinical testing. Allele origin: germline.
Comment: This sequence change replaces glycine, which is neutral and non-polar, with alanine, which is neutral and non-polar, at codon 74 of the GABBR2 protein (p.Gly74Ala). This variant is not present in population databases (gnomAD no frequency). This variant has not been reported in the literature in individuals affected with GABBR2-related conditions. Invitae Evidence Modeling of protein sequence and biophysical properties (such as structural, functional, and spatial information, amino acid conservation, physicochemical variation, residue mobility, and thermodynamic stability) indicates that this missense variant is not expected to disrupt GABBR2 protein function with a negative predictive value of 80%. In summary, the available evidence is currently insufficient to determine the role of this variant in disease. Therefore, it has been classified as a Variant of Uncertain Significance.

NM_005458.8(GABBR2):c.221G>C (p.Gly74Ala)

Gene: GABBR2 (gamma-aminobutyric acid type B receptor subunit 2; minus strand). Cytogenetic location: 9q22.33.
Variant type: single nucleotide variant.
Coding change: c.221G>C on transcript NM_005458.8 (MANE Select); coding-DNA position 221, G replaced by C.
Protein change: p.Gly74Ala; replaces glycine 74 with alanine.
Molecular consequence: missense variant.
Genome position (GRCh38, 1-based): chr9:98,708,517, C>G on the plus strand (G>C on the coding strand, the complement: GABBR2 is on the minus strand). VCF-style: chr9-98708517-C-G. GRCh37 (hg19) VCF-style: chr9-101470799-C-G.
Other names: short protein forms G74A.
Identifiers: ClinVar variation 4741543 (VCV004741543.1).